The following is an entry in ClinVar:

ClinVar aggregate classification (germline): Uncertain significance (1 of 4 stars; one submission).

Conditions:
Fanconi anemia (FA). Also called: Fanconi's anemia. Identifiers: Orphanet 84, MedGen C0015625, MeSH D005199, MONDO:0019391.

Submission:

Labcorp Genetics (formerly Invitae), Labcorp
Classification: Uncertain significance for Fanconi anemia. Last evaluated: 2023-10-09. Review status: criteria provided, single submitter. Criteria: Invitae Variant Classification Sherloc (09022015). Collection method: clinical testing. Allele origin: germline.
Comment: This sequence change replaces proline, which is neutral and non-polar, with arginine, which is basic and polar, at codon 1726 of the FANCM protein (p.Pro1726Arg). This variant is not present in population databases (gnomAD no frequency). This variant has not been reported in the literature in individuals affected with FANCM-related conditions. Algorithms developed to predict the effect of missense changes on protein structure and function output the following: SIFT: "Not Available"; PolyPhen-2: "Benign"; Align-GVGD: "Not Available". The arginine amino acid residue is found in multiple mammalian species, which suggests that this missense change does not adversely affect protein function. In summary, the available evidence is currently insufficient to determine the role of this variant in disease. Therefore, it has been classified as a Variant of Uncertain Significance.

NM_020937.4(FANCM):c.5177C>G (p.Pro1726Arg)

Gene: FANCM (FA complementation group M; plus strand). Cytogenetic location: 14q21.2.
Variant type: single nucleotide variant.
Coding change: c.5177C>G on transcript NM_020937.4 (MANE Select); coding-DNA position 5177, C replaced by G.
Protein change: p.Pro1726Arg; replaces proline 1726 with arginine.
Molecular consequence: missense variant.
Genome position (GRCh38, 1-based): chr14:45,189,199, C>G. VCF-style: chr14-45189199-C-G. GRCh37 (hg19) VCF-style: chr14-45658402-C-G.
Other names: c.5099C>G, p.Pro1700Arg (NM_001308133.2); short protein forms P1700R, P1726R.
Identifiers: ClinVar variation 2767122 (VCV002767122.3), dbSNP rs750384175, ClinGen allele CA389612807.